The following is an entry in ClinVar:

NM_016035.5(COQ4):c.715C>T (p.Arg239Trp)

Gene: COQ4 (coenzyme Q4; plus strand). Cytogenetic location: 9q34.11.
Variant type: single nucleotide variant.
Coding change: c.715C>T on transcript NM_016035.5 (MANE Select); coding-DNA position 715, C replaced by T.
Protein change: p.Arg239Trp; replaces arginine 239 with tryptophan.
Molecular consequence: missense variant. On other transcripts: 3 prime UTR variant (1).
Genome position (GRCh38, 1-based): chr9:128,333,562, C>T. VCF-style: chr9-128333562-C-T. GRCh37 (hg19) VCF-style: chr9-131095841-C-T.
Other names: c.*91C>T (NM_001305942.2); short protein forms R239W.
Identifiers: ClinVar variation 1410234 (VCV001410234.6), dbSNP rs1351636595, ClinGen allele CA375024696.
Genomic context (GRCh38, chr9:128,333,562, plus strand): 5'-ATCCCATGGGCCGTTCAGAACGGGCGCAGAGCCCCATGTGTCCTCAACCTGTACTATGAG[C>T]GGCGCTGGGAGCAGTCCCTGAGGGCTCTGCGGGAGGAGCTGGGCATTACAGCACCACCCA-3'
Protein context (NP_057119.3, residues 229-249): APCVLNLYYE[Arg239Trp]RWEQSLRALR

ClinVar aggregate classification (germline): Uncertain significance (1 of 4 stars; one submission).

Conditions:
Neonatal encephalomyopathy-cardiomyopathy-respiratory distress syndrome. Also called: Coenzyme Q10 deficiency, primary, 7. Identifiers: Orphanet 457185, MedGen C5568562, MONDO:0014562, OMIM 616276.

gnomAD v4.1: 7 of 1,610,376 alleles (0.00043%); highest among the groups gnomAD compares: Non-Finnish European, 0.00059%; no homozygotes.

Submission:

Labcorp Genetics (formerly Invitae), Labcorp
Classification: Uncertain significance for Neonatal encephalomyopathy-cardiomyopathy-respiratory distress syndrome. Last evaluated: 2021-09-01. Review status: criteria provided, single submitter. Criteria: Invitae Variant Classification Sherloc (09022015). Collection method: clinical testing. Allele origin: germline.
Comment: This sequence change replaces arginine with tryptophan at codon 239 of the COQ4 protein (p.Arg239Trp). The arginine residue is weakly conserved and there is a moderate physicochemical difference between arginine and tryptophan. This variant is not present in population databases (ExAC no frequency). This variant has not been reported in the literature in individuals affected with COQ4-related conditions. Algorithms developed to predict the effect of missense changes on protein structure and function are either unavailable or do not agree on the potential impact of this missense change (SIFT: "Deleterious"; PolyPhen-2: "Possibly Damaging"; Align-GVGD: "Class C15"). In summary, the available evidence is currently insufficient to determine the role of this variant in disease. Therefore, it has been classified as a Variant of Uncertain Significance.